The following is an entry in ClinVar:

ClinVar aggregate classification (germline): Uncertain significance (1 of 4 stars; one submission).

Conditions:
Neurodevelopmental disorder. Identifiers: MedGen C1535926, MeSH D065886, MONDO:0700092.

Allele frequency attached by ClinVar (database versions not stated): gnomAD exomes below 0.00001.
gnomAD v4.1: 2 of 1,613,980 alleles (0.00012%); highest among the groups gnomAD compares: Non-Finnish European, 0.00017%; no homozygotes.

Submission:

Institute of Human Genetics, University of Leipzig Medical Center
Classification: Uncertain significance for Neurodevelopmental disorder. Last evaluated: 2024-02-12. Review status: criteria provided, single submitter. Criteria: ACMG Guidelines, 2015. Collection method: clinical testing. Allele origin: maternal. Affected: yes.
Comment: Criteria applied: PVS1

Literature cited by the submitters: DOI 10.1007/s00439-024-02655-4.

NM_001363540.2(DOCK4):c.892C>T (p.Arg298Ter)

Gene: DOCK4 (dedicator of cytokinesis 4; minus strand). Cytogenetic location: 7q31.1.
Variant type: single nucleotide variant.
Coding change: c.892C>T on transcript NM_001363540.2 (MANE Select); coding-DNA position 892, C replaced by T.
Protein change: p.Arg298Ter; replaces arginine 298 with a stop codon.
Molecular consequence: nonsense.
Genome position (GRCh38, 1-based): chr7:111,940,195, G>A on the plus strand (C>T on the coding strand, the complement: DOCK4 is on the minus strand). VCF-style: chr7-111940195-G-A. GRCh37 (hg19) VCF-style: chr7-111580250-G-A.
Other names: c.892C>T, p.Arg298Ter (NM_014705.4); short protein forms R298*.
Identifiers: ClinVar variation 2627580 (VCV002627580.2), dbSNP rs1413830150, ClinGen allele CA369081299.
Genomic context (GRCh38, chr7:111,940,195, plus strand): 5'-CCTTTGTCTCTCCTGTTAGCAGGTCAGCGATGCTAAGAACTGCACAGCCAAAGGGTCGTC[G>A]GTACTGGACACTACAGGCATTCTTTTTTTCTCCTGCTCCCATTCGACCTGTTCAATTAAA-3'